The following is an entry in ClinVar:

ClinVar aggregate classification (germline): Uncertain significance. Review status: criteria provided, multiple submitters, no conflicts (2 of 4 stars). 2 submissions from 2 submitters: Uncertain significance (2). Last evaluated 2026-02-11.

Conditions:
Hereditary cancer-predisposing syndrome. Also called: Tumor predisposition; Hereditary Cancer Syndrome; Hereditary neoplastic syndrome; Neoplastic Syndromes, Hereditary. Identifiers: Orphanet 140162, MedGen C0027672, MeSH D009386, MONDO:0015356.

Submissions (2):

Ambry Genetics
Classification: Uncertain significance for Hereditary cancer-predisposing syndrome. Last evaluated: 2026-02-11. Review status: criteria provided, single submitter. Criteria: Ambry Variant Classification Scheme 2023. Collection method: clinical testing. Allele origin: germline.
Comment: The p.D490E variant (also known as c.1470C>G), located in coding exon 14 of the POLE gene, results from a C to G substitution at nucleotide position 1470. The aspartic acid at codon 490 is replaced by glutamic acid, an amino acid with highly similar properties. This amino acid position is highly conserved in available vertebrate species. In addition, the in silico prediction for this alteration is inconclusive. Based on the available evidence, the clinical significance of this variant remains unclear.

Labcorp Genetics (formerly Invitae), Labcorp
Classification: Uncertain significance. Last evaluated: 2022-01-26. Review status: criteria provided, single submitter. Criteria: Invitae Variant Classification Sherloc (09022015). Collection method: clinical testing. Allele origin: germline.
Comment: In summary, the available evidence is currently insufficient to determine the role of this variant in disease. Therefore, it has been classified as a Variant of Uncertain Significance. Algorithms developed to predict the effect of missense changes on protein structure and function (SIFT, PolyPhen-2, Align-GVGD) all suggest that this variant is likely to be disruptive. This variant has not been reported in the literature in individuals affected with POLE-related conditions. This variant is not present in population databases (gnomAD no frequency). This sequence change replaces aspartic acid, which is acidic and polar, with glutamic acid, which is acidic and polar, at codon 490 of the POLE protein (p.Asp490Glu).

NM_006231.4(POLE):c.1470C>G (p.Asp490Glu)

Gene: POLE (DNA polymerase epsilon, catalytic subunit; minus strand). Cytogenetic location: 12q24.33.
Variant type: single nucleotide variant.
Coding change: c.1470C>G on transcript NM_006231.4 (MANE Select); coding-DNA position 1470, C replaced by G.
Protein change: p.Asp490Glu; replaces aspartic acid 490 with glutamic acid.
Molecular consequence: missense variant.
Genome position (GRCh38, 1-based): chr12:132,673,167, G>C on the plus strand (C>G on the coding strand, the complement: POLE is on the minus strand). VCF-style: chr12-132673167-G-C. GRCh37 (hg19) VCF-style: chr12-133249753-G-C.
Other names: c.1470C>G (NM_006231.2); short protein forms D490E.
Identifiers: ClinVar variation 1939038 (VCV001939038.6), dbSNP rs5744777, ClinGen allele CA387358051.